The following is an entry in ClinVar:

ClinVar aggregate classification (germline): Uncertain significance (1 of 4 stars; one submission).

Allele frequency attached by ClinVar (database versions not stated): gnomAD 0.00001.
gnomAD v4.1: 17 of 1,612,952 alleles (0.0011%); highest among the groups gnomAD compares: Non-Finnish European, 0.0014%; no homozygotes.

Submission:

Labcorp Genetics (formerly Invitae), Labcorp
Classification: Uncertain significance. Last evaluated: 2022-02-24. Review status: criteria provided, single submitter. Criteria: Invitae Variant Classification Sherloc (09022015). Collection method: clinical testing. Allele origin: germline.
Comment: In summary, the available evidence is currently insufficient to determine the role of this variant in disease. Therefore, it has been classified as a Variant of Uncertain Significance. Algorithms developed to predict the effect of missense changes on protein structure and function are either unavailable or do not agree on the potential impact of this missense change (SIFT: "Tolerated"; PolyPhen-2: "Probably Damaging"; Align-GVGD: "Class C0"). This variant has not been reported in the literature in individuals affected with CYB5R3-related conditions. The frequency data for this variant in the population databases is considered unreliable, as metrics indicate poor data quality at this position in the gnomAD database. This sequence change replaces proline, which is neutral and non-polar, with leucine, which is neutral and non-polar, at codon 44 of the CYB5R3 protein (p.Pro44Leu).

NM_000398.7(CYB5R3):c.131C>T (p.Pro44Leu)

Gene: CYB5R3 (cytochrome b5 reductase 3; minus strand). Cytogenetic location: 22q13.2.
Variant type: single nucleotide variant.
Coding change: c.131C>T on transcript NM_000398.7 (MANE Select); coding-DNA position 131, C replaced by T.
Protein change: p.Pro44Leu; replaces proline 44 with leucine.
Molecular consequence: missense variant.
Genome position (GRCh38, 1-based): chr22:42,636,737, G>A on the plus strand (C>T on the coding strand, the complement: CYB5R3 is on the minus strand). VCF-style: chr22-42636737-G-A. GRCh37 (hg19) VCF-style: chr22-43032743-G-A.
Other names: c.131C>T, p.Pro44Leu (NM_001031678.1); c.62C>T, p.Pro21Leu (NM_001129819.2, NM_001171661.1, NM_007326.4); c.230C>T, p.Pro77Leu (NM_001171660.2); short protein forms P44L, P77L, P21L.
Identifiers: ClinVar variation 1951286 (VCV001951286.5), dbSNP rs1226180422, ClinGen allele CA411801858.